The following is an entry in ClinVar:

NM_152328.5(ADSS1):c.193-4905G>A

Gene: ADSS1 (adenylosuccinate synthase 1; plus strand). Cytogenetic location: 14q32.33.
Variant type: single nucleotide variant.
Coding change: c.193-4905G>A on transcript NM_152328.5 (MANE Select); 4905 bases into the intron before coding-DNA position 193, G replaced by A.
Molecular consequence: intron variant. On other transcripts: 5 prime UTR variant (1), missense variant (1).
Genome position (GRCh38, 1-based): chr14:104,730,115, G>A. VCF-style: chr14-104730115-G-A. GRCh37 (hg19) VCF-style: chr14-105196452-G-A.
Other names: c.-505G>A (NM_001320424.1); c.223G>A, p.Glu75Lys (NM_199165.2); short protein forms E75K.
Identifiers: ClinVar variation 2080479 (VCV002080479.2), dbSNP rs1250551469, ClinGen allele CA391232981.

ClinVar aggregate classification (germline): Uncertain significance (1 of 4 stars; one submission).

Allele frequency attached by ClinVar (database versions not stated): gnomAD 0.00001; TOPMed 0.00001.
gnomAD v4.1: 9 of 1,549,070 alleles (0.00058%); highest among the groups gnomAD compares: Admixed American, 0.0098%; no homozygotes.

Submission:

Labcorp Genetics (formerly Invitae), Labcorp
Classification: Uncertain significance. Last evaluated: 2022-10-21. Review status: criteria provided, single submitter. Criteria: Invitae Variant Classification Sherloc (09022015). Collection method: clinical testing. Allele origin: germline.
Comment: In summary, the available evidence is currently insufficient to determine the role of this variant in disease. Therefore, it has been classified as a Variant of Uncertain Significance. Algorithms developed to predict the effect of missense changes on protein structure and function are either unavailable or do not agree on the potential impact of this missense change (SIFT: "Not Available"; PolyPhen-2: "Benign"; Align-GVGD: "Not Available"). This variant has not been reported in the literature in individuals affected with ADSSL1-related conditions. This variant is present in population databases (no rsID available, gnomAD 0.02%). This sequence change replaces glutamic acid, which is acidic and polar, with lysine, which is basic and polar, at codon 75 of the ADSSL1 protein (p.Glu75Lys).